The following is an entry in ClinVar:

NM_022829.6(SLC13A3):c.578C>T (p.Thr193Met)

Gene: SLC13A3 (solute carrier family 13 member 3; minus strand). Cytogenetic location: 20q13.12.
Variant type: single nucleotide variant.
Coding change: c.578C>T on transcript NM_022829.6 (MANE Select); coding-DNA position 578, C replaced by T.
Protein change: p.Thr193Met; replaces threonine 193 with methionine.
Molecular consequence: missense variant. On other transcripts: intron variant (1).
Genome position (GRCh38, 1-based): chr20:46,600,001, G>A on the plus strand (C>T on the coding strand, the complement: SLC13A3 is on the minus strand). VCF-style: chr20-46600001-G-A. GRCh37 (hg19) VCF-style: chr20-45228640-G-A.
Other names: c.437C>T, p.Thr146Met (NM_001011554.3, NM_001193340.2); c.284C>T, p.Thr95Met (NM_001193342.2); c.542-3659C>T (NM_001193339.2); short protein forms T95M, T146M, T193M.
Identifiers: ClinVar variation 2077784 (VCV002077784.4), dbSNP rs371089376, ClinGen allele CA9891584.

ClinVar aggregate classification (germline): Uncertain significance (1 of 4 stars; one submission).

Allele frequency attached by ClinVar (database versions not stated): gnomAD exomes 0.00001; TOPMed 0.00003; gnomAD 0.00001; ExAC 0.00002; ESP Exome Variant Server 0.00008.
gnomAD v4.1: 13 of 1,589,304 alleles (0.00082%); highest among the groups gnomAD compares: South Asian, 0.0068%; no homozygotes.

Submission:

Labcorp Genetics (formerly Invitae), Labcorp
Classification: Uncertain significance. Last evaluated: 2024-01-22. Review status: criteria provided, single submitter. Criteria: Invitae Variant Classification Sherloc (09022015). Collection method: clinical testing. Allele origin: germline.
Comment: This sequence change replaces threonine, which is neutral and polar, with methionine, which is neutral and non-polar, at codon 193 of the SLC13A3 protein (p.Thr193Met). This variant is present in population databases (rs371089376, gnomAD 0.02%). This variant has not been reported in the literature in individuals affected with SLC13A3-related conditions. ClinVar contains an entry for this variant (Variation ID: 2077784). Algorithms developed to predict the effect of missense changes on protein structure and function output the following: SIFT: "Not Available"; PolyPhen-2: "Benign"; Align-GVGD: "Not Available". The methionine amino acid residue is found in multiple mammalian species, which suggests that this missense change does not adversely affect protein function. In summary, the available evidence is currently insufficient to determine the role of this variant in disease. Therefore, it has been classified as a Variant of Uncertain Significance.